The following is an entry in ClinVar:

NM_005251.3(FOXC2):c.802C>T (p.Pro268Ser)

Gene: FOXC2 (forkhead box C2; plus strand). Cytogenetic location: 16q24.1.
Variant type: single nucleotide variant.
Coding change: c.802C>T on transcript NM_005251.3 (MANE Select); coding-DNA position 802, C replaced by T.
Protein change: p.Pro268Ser; replaces proline 268 with serine.
Molecular consequence: missense variant.
Genome position (GRCh38, 1-based): chr16:86,568,137, C>T. VCF-style: chr16-86568137-C-T. GRCh37 (hg19) VCF-style: chr16-86601743-C-T.
Other names: c.802C>T (NM_005251.2); short protein forms P268S.
Identifiers: ClinVar variation 2072516 (VCV002072516.5), dbSNP rs968140048, ClinGen allele CA285807992.

ClinVar aggregate classification (germline): Uncertain significance. Review status: criteria provided, multiple submitters, no conflicts (2 of 4 stars). 2 submissions from 2 submitters: Uncertain significance (2). Last evaluated 2025-12-16.

Conditions:
FOXC2-related disorder. Also called: FOXC2-related condition.

Allele frequency attached by ClinVar (database versions not stated): gnomAD 0.00002; TOPMed 0.00002; gnomAD exomes 0.00006.
gnomAD v4.1: 74 of 1,348,900 alleles (0.0055%); highest among the groups gnomAD compares: South Asian, 0.022%; no homozygotes.

Submissions (2):

PreventionGenetics, part of Exact Sciences
Classification: Uncertain significance for FOXC2-related condition. Last evaluated: 2025-12-16. Review status: criteria provided, single submitter. Criteria: ACMG Guidelines, 2015. Collection method: clinical testing. Allele origin: germline.
Comment: The FOXC2 c.802C>T variant is predicted to result in the amino acid substitution p.Pro268Ser. To our knowledge, this variant has not been reported in the literature. This variant is reported in 0.010% of alleles in individuals of European (Non-Finnish) descent in gnomAD. At this time, the clinical significance of this variant is uncertain due to the absence of conclusive functional and genetic evidence.

Labcorp Genetics (formerly Invitae), Labcorp
Classification: Uncertain significance. Last evaluated: 2022-05-04. Review status: criteria provided, single submitter. Criteria: Invitae Variant Classification Sherloc (09022015). Collection method: clinical testing. Allele origin: germline.
Comment: In summary, the available evidence is currently insufficient to determine the role of this variant in disease. Therefore, it has been classified as a Variant of Uncertain Significance. Algorithms developed to predict the effect of missense changes on protein structure and function output the following: SIFT: "Tolerated"; PolyPhen-2: "Benign"; Align-GVGD: "Class C0". The serine amino acid residue is found in multiple mammalian species, which suggests that this missense change does not adversely affect protein function. This variant has not been reported in the literature in individuals affected with FOXC2-related conditions. The frequency data for this variant in the population databases is considered unreliable, as metrics indicate poor data quality at this position in the gnomAD database. This sequence change replaces proline, which is neutral and non-polar, with serine, which is neutral and polar, at codon 268 of the FOXC2 protein (p.Pro268Ser).